The following is an entry in ClinVar:

ClinVar aggregate classification (germline): Uncertain significance (1 of 4 stars; one submission).

Submission:

Labcorp Genetics (formerly Invitae), Labcorp
Classification: Uncertain significance. Last evaluated: 2022-10-30. Review status: criteria provided, single submitter. Criteria: Invitae Variant Classification Sherloc (09022015). Collection method: clinical testing. Allele origin: germline.
Comment: In summary, the available evidence is currently insufficient to determine the role of this variant in disease. Therefore, it has been classified as a Variant of Uncertain Significance. Algorithms developed to predict the effect of missense changes on protein structure and function (SIFT, PolyPhen-2, Align-GVGD) all suggest that this variant is likely to be tolerated. This variant has not been reported in the literature in individuals affected with RNF43-related conditions. This variant is not present in population databases (gnomAD no frequency). This sequence change replaces glutamine, which is neutral and polar, with glutamic acid, which is acidic and polar, at codon 379 of the RNF43 protein (p.Gln379Glu).

NM_017763.6(RNF43):c.1135C>G (p.Gln379Glu)

Gene: RNF43 (ring finger protein 43; minus strand). Cytogenetic location: 17q22.
Variant type: single nucleotide variant.
Coding change: c.1135C>G on transcript NM_017763.6 (MANE Select); coding-DNA position 1135, C replaced by G.
Protein change: p.Gln379Glu; replaces glutamine 379 with glutamic acid.
Molecular consequence: missense variant.
Genome position (GRCh38, 1-based): chr17:58,358,641, G>C on the plus strand (C>G on the coding strand, the complement: RNF43 is on the minus strand). VCF-style: chr17-58358641-G-C. GRCh37 (hg19) VCF-style: chr17-56436002-G-C.
Other names: c.1135C>G, p.Gln379Glu (NM_001305544.3); c.754C>G, p.Gln252Glu (NM_001305545.2); short protein forms Q252E, Q379E.
Identifiers: ClinVar variation 2988699 (VCV002988699.3), dbSNP rs1366537134, ClinGen allele CA400331476.